The following is an entry in ClinVar:

ClinVar aggregate classification (germline): Uncertain significance (1 of 4 stars; one submission).

gnomAD v4.1: 25 of 1,569,276 alleles (0.0016%); highest among the groups gnomAD compares: African/African-American, 0.034%; no homozygotes.

Submission:

GeneDx
Classification: Uncertain significance. Last evaluated: 2025-09-14. Review status: criteria provided, single submitter. Criteria: GeneDx Variant Classification Process June 2021. Collection method: clinical testing. Allele origin: germline.
Comment: In silico analysis suggests this variant may impact gene splicing. In the absence of RNA/functional studies, the actual effect of this sequence change is unknown.; Has not been previously published as pathogenic or benign to our knowledge

NM_198334.3(GANAB):c.813T>G (p.Thr271=)

Gene: GANAB (glucosidase II alpha subunit; minus strand). Cytogenetic location: 11q12.3.
Variant type: single nucleotide variant.
Coding change: c.813T>G on transcript NM_198334.3 (MANE Select); coding-DNA position 813, T replaced by G.
Protein change: p.Thr271=; no amino-acid change (threonine 271 retained).
Molecular consequence: synonymous variant.
Genome position (GRCh38, 1-based): chr11:62,633,007, A>C on the plus strand (T>G on the coding strand, the complement: GANAB is on the minus strand). VCF-style: chr11-62633007-A-C. GRCh37 (hg19) VCF-style: chr11-62400479-A-C.
Other names: c.537T>G, p.Thr179= (NM_001278192.2); c.471T>G, p.Thr157= (NM_001278193.2); c.522T>G, p.Thr174= (NM_001278194.2, NM_001329222.2, NM_001329223.2); c.90T>G, p.Thr30= (NM_001329224.2, NM_001329225.2); c.879T>G, p.Thr293= (NM_198335.4).
Identifiers: ClinVar variation 3360189 (VCV003360189.2).